The following continues an entry in ClinVar:

NM_000051.4(ATM):c.3576G>A (p.Lys1192=)

Gene: ATM. ClinVar aggregate classification (germline): Pathogenic. Pathogenic (1).

Submissions 9 to 24 of 32:

GeneKor MSA
Classification: Pathogenic for Hereditary cancer-predisposing syndrome. Last evaluated: 2025-06-25. Review status: criteria provided, single submitter. Criteria: ACMG Guidelines, 2015. Collection method: clinical testing. Allele origin: germline. Affected: yes. Not counted in ClinVar's aggregate classification.
Comment: This particular change is a substitution of the last base of exon 24, which is conserved in the human species. Although it does not result in an amino acid change (synonymous alteration), it affects the splice site in exon 24, leading to its deletion. This alteration has been described in patients with breast cancer, as well as in patients with Ataxia-telangiectasia (A-T) (PMID:22071889, 19691550, 17124347, 9887333, 8845835, 27599564). Clinvar contains entries for this variant (VCV000003035.82) and it is present in population databases (rs587776551). Based on the classification criteria set by the ACMG and AMP (PMID:25741868) this variant has been classified as pathogenic.

3billion
Classification: Pathogenic for Familial cancer of breast. Last evaluated: 2025-03-28. Review status: criteria provided, single submitter. Criteria: ACMG Guidelines, 2015. Collection method: clinical testing. Allele origin: germline. Affected: yes. Not counted in ClinVar's aggregate classification.
Comment: The variant is observed at an extremely low frequency in the gnomAD v4.1.0 dataset (total allele frequency: <0.001%). Predicted Consequence/Location: Synonymous variant: previously reported to alter splicing and result in a loss of normal protein function through nonsense-mediated decay (NMD) or protein truncation (PMID: 9887333). Functional studies provide moderate evidence of the variant having a damaging effect on the gene or gene product (PMID: 22071889). The variant has been reported multiple times as an established pathogenic variant (ClinVar ID: VCV000003035 / PMID: 8845835).

Center for Genomic Medicine, Rigshospitalet, Copenhagen University Hospital
Classification: Pathogenic. Last evaluated: 2025-03-04. Review status: criteria provided, single submitter. Criteria: ACMG Guidelines, 2015. Collection method: clinical testing. Allele origin: germline. Not counted in ClinVar's aggregate classification.

Blueprint Genetics
Classification: Likely pathogenic for ATM-related disorders. Last evaluated: 2024-10-16. Review status: criteria provided, single submitter. Criteria: ACMG Guidelines, 2015. Collection method: clinical testing. Allele origin: germline. Affected: yes. Observed: 4 variant alleles. Not counted in ClinVar's aggregate classification.

Quest Diagnostics Nichols Institute San Juan Capistrano
Classification: Pathogenic. Last evaluated: 2024-06-10. Review status: criteria provided, single submitter. Criteria: Quest Diagnostics criteria. Collection method: clinical testing. Allele origin: unknown. Not counted in ClinVar's aggregate classification.
Comment: The ATM c.3576G>A (p.Lys1192=) synonymous variant has been reported in the published literature in compound heterozygotes and homozygotes individuals with ataxia-telangiectasia (PMIDs: 35257272 (2022), 30819809 (2019), 27599564 (2016), 22213089 (2011)). Functional evidence indicates that this variant results in aberrant mRNA splicing and impacts protein function (PMIDs: 21965147 (2011), 22071889 (2011), 9887333 (1999), 9497252 (1998)). The frequency of this variant in the general population, 0.000016 (4/251126 chromosomes (Genome Aggregation Database)), is consistent with pathogenicity. Analysis of this variant using software algorithms for the prediction of the effect of nucleotide changes on splicing yielded predictions that this variant may affect proper ATM mRNA splicing. Based on the available information, this variant is classified as pathogenic.

Fulgent Genetics
Classification: Pathogenic for Familial cancer of breast; Ataxia-telangiectasia syndrome. Last evaluated: 2024-05-03. Review status: criteria provided, single submitter. Criteria: ACMG Guidelines, 2015. Collection method: clinical testing. Allele origin: germline. Not counted in ClinVar's aggregate classification.

Baylor Genetics
Classification: Pathogenic for Familial cancer of breast. Last evaluated: 2024-03-07. Review status: criteria provided, single submitter. Criteria: ACMG Guidelines, 2015. Collection method: clinical testing. Allele origin: unknown. Not counted in ClinVar's aggregate classification.

Color Diagnostics, LLC DBA Color Health
Classification: Pathogenic for Hereditary cancer-predisposing syndrome. Last evaluated: 2024-02-20. Review status: criteria provided, single submitter. Criteria: ACMG Guidelines, 2015. Collection method: clinical testing. Allele origin: germline. Not counted in ClinVar's aggregate classification.
Comment: This variant alters the conserved c.G at the last nucleotide position of exon 24 of the ATM gene. Splice site prediction tools suggest that this variant may impact RNA splicing. Functional RNA studies have shown that this variant causes in-frame skipping of exon 24 (hence, known as 3403del174 and p.Ser1135_Lys1192del58 in the literature) or out-of-frame skipping of exons 24 and 25 (PMID: 9887333, 21965147). This variant has been shown to significantly affect protein stability and kinase activity (PMID: 9887333, 21965147, 22071889). This variant has been reported in multiple individuals and families affected with ataxia-telangiectasia and is recurrent in Turkish and Italian populations (PMID: 9792409, 9887333, 16941484, 17124347, 19691550, 22071889, 30819809, 31741144, 34107524, 35257272). This variant has also been reported in at least two individuals affected with breast cancer (PMID: 27599564, 29665859). This variant has been identified in 4/251126 chromosomes in the general population by the Genome Aggregation Database (gnomAD). Based on the available evidence, this variant is classified as Pathogenic.

Laboratory of Medical Genetics, National & Kapodistrian University of Athens
Classification: Pathogenic for Ataxia-telangiectasia syndrome. Last evaluated: 2024-02-01. Review status: criteria provided, single submitter. Criteria: ACMG Guidelines, 2015. Collection method: curation. Allele origin: germline. Affected: no. Not counted in ClinVar's aggregate classification.

Myriad Genetics, Inc.
Classification: Likely pathogenic for Familial cancer of breast. Last evaluated: 2024-01-22. Review status: criteria provided, single submitter. Criteria: Myriad Autosomal Dominant, Autosomal Recessive and X-Linked Classification Criteria (2023). Collection method: clinical testing. Allele origin: unknown. Not counted in ClinVar's aggregate classification.
Comment: This variant is considered likely pathogenic. This variant has been reported in multiple individuals with clinical features of gene-specific disease [PMID: 9887333]. mRNA analysis has demonstrated abnormal mRNA splicing occurs [PMID: 8698354].

Department of Pathology and Laboratory Medicine, Sinai Health System
Classification: Pathogenic for ATM-related cancer predisposition. Last evaluated: 2024-01-04. Review status: criteria provided, single submitter. Criteria: ACMG Guidelines, 2015. Collection method: clinical testing. Allele origin: germline. Affected: no. Not counted in ClinVar's aggregate classification.

Centre for Mendelian Genomics, University Medical Centre Ljubljana
Classification: Pathogenic for Familial cancer of breast. Last evaluated: 2022-12-09. Review status: criteria provided, single submitter. Criteria: ACMG Guidelines, 2015. Collection method: research. Allele origin: germline. Affected: no. Not counted in ClinVar's aggregate classification.
Comment: PS3_MOD, PM3_VSTR

GeneDx
Classification: Pathogenic. Last evaluated: 2022-07-13. Review status: criteria provided, single submitter. Criteria: GeneDx Variant Classification Process June 2021. Collection method: clinical testing. Allele origin: germline. Affected: yes. Not counted in ClinVar's aggregate classification.
Comment: Located at the last nucleotide of exon 24 (also known as exon 26 in the literature) and demonstrated to result in abnormal splicing leading to skipping of exon 24 and/or exon 24-25 (Sandoval et al., 1999; Teraoka et a., 1999; Demuth et al., 2011; Jacquemin et al., 2012); Published functional studies demonstrate a damaging effect: reduced or absent protein expression and kinase activity (Sandoval et al., 1999; Teraoka et al., 1999; Demuth et al., 2011; Jacquemin et al., 2012); Not observed at significant frequency in large population cohorts (gnomAD); Observed in individuals with breast cancer and other cancers (Prodosmo et al., 2016; Huang et al., 2018; Akcay et al., 2020; Asadollahi et al., 2020; Pastorino et al., 2020); In silico analysis supports a deleterious effect on splicing; This variant is associated with the following publications: (PMID: 21965147, 10873394, 16941484, 17124347, 9463314, 21665257, 16189143, 11382771, 22927201, 27664052, 17910737, 22071889, 12552559, 10330348, 9450906, 9792409, 9443866, 22213089, 11606401, 15503472, 19691550, 8845835, 30819809, 30620386, 9887333, 29625052, 31741144, 32658311, 32325837, 32748564, 26896183, 33624863, 27599564)

Institute of Medical Genetics and Applied Genomics, University Hospital Tübingen
Classification: Pathogenic. Last evaluated: 2020-10-23. Review status: criteria provided, single submitter. Criteria: ACMG Guidelines, 2015. Collection method: clinical testing. Allele origin: germline. Inheritance: Autosomal unknown. Affected: yes. Not counted in ClinVar's aggregate classification.

CHEO Genetics Diagnostic Laboratory, Children's Hospital of Eastern Ontario
Classification: Pathogenic for Breast and/or ovarian cancer. Last evaluated: 2020-06-15. Review status: criteria provided, single submitter. Criteria: ACMG Guidelines, 2015. Collection method: clinical testing. Allele origin: germline. Not counted in ClinVar's aggregate classification.

Women's Health and Genetics/Laboratory Corporation of America, LabCorp
Classification: Pathogenic for Ataxia-telangiectasia syndrome. Last evaluated: 2018-09-24. Review status: criteria provided, single submitter. Criteria: LabCorp Variant Classification Summary - May 2015. Collection method: clinical testing. Allele origin: germline. Not counted in ClinVar's aggregate classification.
Comment: Variant summary: ATM c.3576G>A (p.Lys1192Lys) alters a conserved nucleotide located close to a canonical splice site and therefore could affect mRNA splicing, leading to a significantly altered protein sequence. Several computational tools predict a significant impact on normal splicing: Three predict the variant abolishes a 5 splicing donor site. Two predict the variant weakens a 5' donor site. An experimental study, Demuth_2011, supports these predictions by finding that this variant is associated with an in-frame exclusion of exon 26 from the mRNA. The variant allele was found at a frequency of 1.6e-05 in 246056 control chromosomes (gnomAD). The variant, c.3576G>A, has been reported in the literature in multiple individuals affected with Ataxia-Telangiectasia (Chessa_2009, Demuth_2011). These data indicate that the variant is very likely to be associated with disease. Five ClinVar submissions from clinical diagnostic laboratories (evaluation after 2014) cite the variant as pathogenic. Based on the evidence outlined above, the variant was classified as pathogenic.